The following is an entry in ClinVar:

NM_001963.6(EGF):c.1472A>G (p.Gln491Arg)

Gene: EGF (epidermal growth factor; plus strand). Cytogenetic location: 4q25.
Variant type: single nucleotide variant.
Coding change: c.1472A>G on transcript NM_001963.6 (MANE Select); coding-DNA position 1472, A replaced by G.
Protein change: p.Gln491Arg; replaces glutamine 491 with arginine.
Molecular consequence: missense variant.
Genome position (GRCh38, 1-based): chr4:109,964,434, A>G. VCF-style: chr4-109964434-A-G. GRCh37 (hg19) VCF-style: chr4-110885590-A-G.
Other names: c.1472A>G, p.Gln491Arg (NM_001178130.3); c.1346A>G, p.Gln449Arg (NM_001178131.3, NM_001357021.2); short protein forms Q449R, Q491R.
Identifiers: ClinVar variation 4749346 (VCV004749346.1).

ClinVar aggregate classification (germline): Uncertain significance (1 of 4 stars; one submission).

Submission:

Labcorp Genetics (formerly Invitae), Labcorp
Classification: Uncertain significance. Last evaluated: 2025-06-12. Review status: criteria provided, single submitter. Criteria: Invitae Variant Classification Sherloc (09022015). Collection method: clinical testing. Allele origin: germline.
Comment: This sequence change replaces glutamine, which is neutral and polar, with arginine, which is basic and polar, at codon 491 of the EGF protein (p.Gln491Arg). This variant is not present in population databases (gnomAD no frequency). This variant has not been reported in the literature in individuals affected with EGF-related conditions. An algorithm developed to predict the effect of missense changes on protein structure and function outputs the following: PolyPhen-2: "Benign". The arginine amino acid residue is found in multiple mammalian species, which suggests that this missense change does not adversely affect protein function. In summary, the available evidence is currently insufficient to determine the role of this variant in disease. Therefore, it has been classified as a Variant of Uncertain Significance.